The following is an entry in ClinVar:

NM_001001557.4(GDF6):c.301A>G (p.Ile101Val)

Gene: GDF6 (growth differentiation factor 6; minus strand). Cytogenetic location: 8q22.1.
Variant type: single nucleotide variant.
Coding change: c.301A>G on transcript NM_001001557.4 (MANE Select); coding-DNA position 301, A replaced by G.
Protein change: p.Ile101Val; replaces isoleucine 101 with valine.
Molecular consequence: missense variant.
Genome position (GRCh38, 1-based): chr8:96,160,392, T>C on the plus strand (A>G on the coding strand, the complement: GDF6 is on the minus strand). VCF-style: chr8-96160392-T-C. GRCh37 (hg19) VCF-style: chr8-97172620-T-C.
Other names: short protein forms I101V.
Identifiers: ClinVar variation 2009252 (VCV002009252.4), dbSNP rs980017956, ClinGen allele CA371753538.

ClinVar aggregate classification (germline): Uncertain significance (1 of 4 stars; one submission).

Conditions:
Isolated microphthalmia 4. Identifiers: Orphanet 2542, MedGen C2751307, MONDO:0013130, OMIM 613094.
Microphthalmia, isolated, with coloboma 6 (MCOPCB6). Also called: Microphthalmia with coloboma 6, digenic; Microphthalmia with coloboma 6; MICROPHTHALMIA/COLOBOMA 6. Identifiers: Orphanet 98938, MedGen C3150968, MONDO:0013376, OMIM 613703.
Leber congenital amaurosis 17 (LCA17). Identifiers: Orphanet 65, MedGen C3715164, MONDO:0014145, OMIM 615360.
Klippel-Feil syndrome 1, autosomal dominant (KFS1). Also called: CERVICAL VERTEBRAL FUSION, AUTOSOMAL DOMINANT. Identifiers: Orphanet 2345, MedGen C1861689, MONDO:0007306, OMIM 118100.

Allele frequency attached by ClinVar (database versions not stated): gnomAD exomes below 0.00001.
gnomAD v4.1: 1 of 1,614,208 alleles (0.000062%); highest among the groups gnomAD compares: Non-Finnish European, 0.000085%; no homozygotes.

Submission:

Labcorp Genetics (formerly Invitae), Labcorp
Classification: Uncertain significance for Isolated microphthalmia 4; Leber congenital amaurosis 17; Klippel-Feil syndrome 1, autosomal dominant; Microphthalmia, isolated, with coloboma 6. Last evaluated: 2022-06-22. Review status: criteria provided, single submitter. Criteria: Invitae Variant Classification Sherloc (09022015). Collection method: clinical testing. Allele origin: germline.
Comment: This variant is not present in population databases (gnomAD no frequency). This variant has not been reported in the literature in individuals affected with GDF6-related conditions. Algorithms developed to predict the effect of missense changes on protein structure and function are either unavailable or do not agree on the potential impact of this missense change (SIFT: "Deleterious"; PolyPhen-2: "Benign"; Align-GVGD: "Class C0"). In summary, the available evidence is currently insufficient to determine the role of this variant in disease. Therefore, it has been classified as a Variant of Uncertain Significance. This sequence change replaces isoleucine, which is neutral and non-polar, with valine, which is neutral and non-polar, at codon 101 of the GDF6 protein (p.Ile101Val).